The following is an entry in ClinVar:

ClinVar aggregate classification (germline): Uncertain significance. Review status: criteria provided, multiple submitters, no conflicts (2 of 4 stars). 2 submissions from 2 submitters: Uncertain significance (2). Last evaluated 2022-10-05.

Submissions (2):

Labcorp Genetics (formerly Invitae), Labcorp
Classification: Uncertain significance. Last evaluated: 2022-10-05. Review status: criteria provided, single submitter. Criteria: Invitae Variant Classification Sherloc (09022015). Collection method: clinical testing. Allele origin: germline.
Comment: This variant has not been reported in the literature in individuals affected with CTNNB1-related conditions. This variant is not present in population databases (gnomAD no frequency). This sequence change replaces threonine, which is neutral and polar, with alanine, which is neutral and non-polar, at codon 510 of the CTNNB1 protein (p.Thr510Ala). ClinVar contains an entry for this variant (Variation ID: 1318830). In summary, the available evidence is currently insufficient to determine the role of this variant in disease. Therefore, it has been classified as a Variant of Uncertain Significance. Advanced modeling of protein sequence and biophysical properties (such as structural, functional, and spatial information, amino acid conservation, physicochemical variation, residue mobility, and thermodynamic stability) performed at Invitae indicates that this missense variant is not expected to disrupt CTNNB1 protein function.

GeneDx
Classification: Uncertain significance. Last evaluated: 2018-11-19. Review status: criteria provided, single submitter. Criteria: GeneDx Variant Classification Process June 2021. Collection method: clinical testing. Allele origin: germline. Affected: yes.
Comment: Not observed in large population cohorts (Lek et al., 2016); In silico analysis, which includes protein predictors and evolutionary conservation, supports that this variant does not alter protein structure/function; Has not been previously published as pathogenic or benign to our knowledge

NM_001904.4(CTNNB1):c.1528A>G (p.Thr510Ala)

Genes: CTNNB1 (catenin beta 1; plus strand), LOC126806659 (BRD4-independent group 4 enhancer GRCh37_chr3:41274918-41276117; plus strand). Cytogenetic location: 3p22.1.
Variant type: single nucleotide variant.
Coding change: c.1528A>G on transcript NM_001904.4 (MANE Select); coding-DNA position 1528, A replaced by G.
Protein change: p.Thr510Ala; replaces threonine 510 with alanine.
Molecular consequence: missense variant.
Genome position (GRCh38, 1-based): chr3:41,234,142, A>G. VCF-style: chr3-41234142-A-G. GRCh37 (hg19) VCF-style: chr3-41275633-A-G.
Other names: c.1528A>G, p.Thr510Ala (NM_001098209.2, NM_001098210.2); c.1507A>G, p.Thr503Ala (NM_001330729.2); short protein forms T503A, T510A.
Identifiers: ClinVar variation 1318830 (VCV001318830.7), dbSNP rs2078376791, ClinGen allele CA352234013.